The following is an entry in ClinVar:

NM_000263.4(NAGLU):c.631G>A (p.Asp211Asn)

Gene: NAGLU (N-acetyl-alpha-glucosaminidase; plus strand). Cytogenetic location: 17q21.2.
Variant type: single nucleotide variant.
Coding change: c.631G>A on transcript NM_000263.4 (MANE Select); coding-DNA position 631, G replaced by A.
Protein change: p.Asp211Asn; replaces aspartic acid 211 with asparagine.
Molecular consequence: missense variant.
Genome position (GRCh38, 1-based): chr17:42,538,438, G>A. VCF-style: chr17-42538438-G-A. GRCh37 (hg19) VCF-style: chr17-40690456-G-A.
Other names: c.631G>A (NM_000263.3); short protein forms D211N.
Identifiers: ClinVar variation 808269 (VCV000808269.49), dbSNP rs145452809, ClinGen allele CA8576803.

ClinVar aggregate classification (germline): Conflicting classifications of pathogenicity. Review status: criteria provided, conflicting classifications (1 of 4 stars). 5 submissions from 5 submitters: Uncertain significance (4); Likely benign (1). Last evaluated 2026-02-01.

Conditions:
NAGLU-related disorder. Also called: NAGLU-related condition.
Charcot-Marie-Tooth disease axonal type 2V. Also called: CHARCOT-MARIE-TOOTH NEUROPATHY, TYPE 2V; CHARCOT-MARIE-TOOTH DISEASE, AXONAL, AUTOSOMAL DOMINANT, TYPE 2V. Identifiers: Orphanet 447964, MedGen C5569050, MONDO:0014665, OMIM 616491.
Mucopolysaccharidosis, MPS-III-B (MPS3B). Also called: MPS IIIB (Sanfilippo Syndrome Type B); MPS III B; SANFILIPPO SYNDROME B; MUCOPOLYSACCHARIDOSIS, TYPE IIIB; N-ACETYL-ALPHA-D-GLUCOSAMINIDASE DEFICIENCY; NAGLU DEFICIENCY. Identifiers: Orphanet 79270, MedGen C0086648, MONDO:0009656, OMIM 252920.

Allele frequency attached by ClinVar (database versions not stated): gnomAD 0.00011 and 0.00009; TOPMed 0.00012; gnomAD exomes 0.00014 and 0.00040; ESP Exome Variant Server 0.00015; 1000 Genomes Project 30x 0.00016; 1000 Genomes Project 0.00020; ExAC 0.00010.
gnomAD v4.1: 587 of 1,614,160 alleles (0.036%); highest among the groups gnomAD compares: Non-Finnish European, 0.048%; 1 homozygote.

Submissions (5):

Labcorp Genetics (formerly Invitae), Labcorp
Classification: Likely benign for Charcot-Marie-Tooth disease axonal type 2V; Mucopolysaccharidosis, MPS-III-B. Last evaluated: 2026-02-01. Review status: criteria provided, single submitter. Criteria: Invitae Variant Classification Sherloc (09022015). Collection method: clinical testing. Allele origin: germline.

GeneDx
Classification: Uncertain significance. Last evaluated: 2025-06-10. Review status: criteria provided, single submitter. Criteria: GeneDx Variant Classification Process June 2021. Collection method: clinical testing. Allele origin: germline. Affected: yes.
Comment: In silico analysis suggests that this missense variant does not alter protein structure/function; Has not been previously published as pathogenic or benign to our knowledge

Blueprint Genetics
Classification: Uncertain significance. Last evaluated: 2024-06-20. Review status: criteria provided, single submitter. Criteria: ACMG Guidelines, 2015. Collection method: clinical testing. Allele origin: germline.

PreventionGenetics, part of Exact Sciences
Classification: Uncertain significance for NAGLU-related condition. Last evaluated: 2022-08-19. Review status: criteria provided, single submitter. Criteria: ACMG Guidelines, 2015. Collection method: clinical testing. Allele origin: germline.
Comment: The NAGLU c.631G>A variant is predicted to result in the amino acid substitution p.Asp211Asn. To our knowledge, this variant has not been reported in the literature. This variant is reported in 0.026% of alleles in individuals of European (Non-Finnish) descent in gnomAD. At this time, the clinical significance of this variant is uncertain due to the absence of conclusive functional and genetic evidence.

CeGaT Center for Human Genetics Tuebingen
Classification: Uncertain significance. Last evaluated: 2021-09-01. Review status: criteria provided, single submitter. Criteria: CeGaT Center For Human Genetics Tuebingen Variant Classification Criteria Version 2. Collection method: clinical testing. Allele origin: germline. Affected: yes. Observed: 2 variant alleles.